The following is an entry in ClinVar:

ClinVar aggregate classification (germline): Benign/Likely benign. Review status: criteria provided, multiple submitters, no conflicts (2 of 4 stars). 4 submissions from 4 submitters: Benign (2); Likely benign (2). Last evaluated 2025-11-23.

Allele frequency attached by ClinVar (database versions not stated): gnomAD exomes 0.00051; ExAC 0.00097; 1000 Genomes Project 0.00120; 1000 Genomes Project 30x 0.00172; gnomAD 0.00178 and 0.00193; TOPMed 0.00189.
gnomAD v4.1: 670 of 1,537,216 alleles (0.044%); highest among the groups gnomAD compares: African/African-American, 0.6%; 3 homozygotes.

Submissions (4):

Labcorp Genetics (formerly Invitae), Labcorp
Classification: Benign. Last evaluated: 2025-11-23. Review status: criteria provided, single submitter. Criteria: Invitae Variant Classification Sherloc (09022015). Collection method: clinical testing. Allele origin: germline.

Blueprint Genetics
Classification: Likely benign. Last evaluated: 2024-11-06. Review status: criteria provided, single submitter. Criteria: ACMG Guidelines, 2015. Collection method: clinical testing. Allele origin: germline.

CeGaT Center for Human Genetics Tuebingen
Classification: Likely benign. Last evaluated: 2022-12-01. Review status: criteria provided, single submitter. Criteria: CeGaT Center For Human Genetics Tuebingen Variant Classification Criteria Version 2. Collection method: clinical testing. Allele origin: germline. Affected: yes. Observed: 1 variant allele.
Comment: PIEZO2: BP4, BP7, BS2

Breakthrough Genomics
Classification: Benign. Review status: criteria provided, single submitter. Criteria: ACMG Guidelines, 2015. Collection method: not provided. Allele origin: germline. Inheritance: Autosomal recessive inheritance. Affected: yes.

NM_001378183.1(PIEZO2):c.5355C>T (p.Pro1785=)

Gene: PIEZO2 (piezo type mechanosensitive ion channel component 2; minus strand). Cytogenetic location: 18p11.22.
Variant type: single nucleotide variant.
Coding change: c.5355C>T on transcript NM_001378183.1 (MANE Select); coding-DNA position 5355, C replaced by T.
Protein change: p.Pro1785=; no amino-acid change (proline 1785 retained).
Molecular consequence: synonymous variant.
Genome position (GRCh38, 1-based): chr18:10,714,832, G>A on the plus strand (C>T on the coding strand, the complement: PIEZO2 is on the minus strand). VCF-style: chr18-10714832-G-A. GRCh37 (hg19) VCF-style: chr18-10714830-G-A.
Other names: c.5181C>T, p.Pro1727= (NM_022068.4).
Identifiers: ClinVar variation 735190 (VCV000735190.34), dbSNP rs191626967, ClinGen allele CA8892342.
Genomic context (GRCh38, chr18:10,714,832, plus strand): 5'-ACTGTCATGTGAATCTAAACTATCCATCCTGTGGGCTGTCTGTGCACCTGAAGCAGCTCC[G>A]GGATGCTCGTCAATGGTGTCCAGTCCCGACTCTCTGGAAAGGTTCATGATGTGGTTCTGA-3'
Protein context (NP_001365112.1, residues 1775-1795): ESGLDTIDEH[Pro1785=]GAASGAQTAH